The following is an entry in ClinVar:

ClinVar aggregate classification (germline): Benign. Review status: criteria provided, multiple submitters, no conflicts (2 of 4 stars). 2 submissions from 2 submitters: Benign (2). Last evaluated 2018-01-13.

Conditions:
Desmosterolosis. Identifiers: Orphanet 35107, MedGen C1865596, MONDO:0011217, OMIM 602398.

Allele frequency attached by ClinVar (database versions not stated): gnomAD exomes 0.00040; gnomAD 0.00355 and 0.00378; TOPMed 0.00408; 1000 Genomes Project 0.00479; 1000 Genomes Project 30x 0.00531.

Submissions (2):

Illumina Laboratory Services, Illumina
Classification: Benign for Desmosterolosis. Last evaluated: 2018-01-13. Review status: criteria provided, single submitter. Criteria: ICSL Variant Classification Criteria 13 December 2019. Collection method: clinical testing. Allele origin: germline.
Comment: This variant was observed in the ICSL laboratory as part of a predisposition screen in an ostensibly healthy population. It had not been previously curated by ICSL or reported in the Human Gene Mutation Database (HGMD: prior to June 1st, 2018), and was therefore a candidate for classification through an automated scoring system. Utilizing variant allele frequency, disease prevalence and penetrance estimates, and inheritance mode, an automated score was calculated to assess if this variant is too frequent to cause the disease. Based on the score and internal cut-off values, a variant classified as benign is not then subjected to further curation. The score for this variant resulted in a classification of benign for this disease.

Breakthrough Genomics
Classification: Benign. Review status: criteria provided, single submitter. Criteria: ACMG Guidelines, 2015. Collection method: not provided. Allele origin: germline. Inheritance: Autosomal recessive inheritance. Affected: yes.

NM_014762.4(DHCR24):c.*115C>T

Gene: DHCR24 (24-dehydrocholesterol reductase; minus strand). Cytogenetic location: 1p32.3.
Variant type: single nucleotide variant.
Coding change: c.*115C>T on transcript NM_014762.4 (MANE Select); 115 bases downstream of the stop codon, C replaced by T.
Molecular consequence: 3 prime UTR variant.
Genome position (GRCh38, 1-based): chr1:54,852,118, G>A on the plus strand (C>T on the coding strand, the complement: DHCR24 is on the minus strand). VCF-style: chr1-54852118-G-A. GRCh37 (hg19) VCF-style: chr1-55317791-G-A.
Identifiers: ClinVar variation 875161 (VCV000875161.5), dbSNP rs201545563, ClinGen allele CA22780512.
Genomic context (GRCh38, chr1:54,852,118, plus strand): 5'-CCATTCCACTGGGCTGCCCCCTGGAAGCCAGGAGGAAGGTGGTGTTGGGCTGTCAGGGTG[G>A]GAGTTCTGGAGGGGTTTCTCTTTGAAAGTGTGGATCTAGGAAAGCAGCCAAGCTTGAGTG-3'